The following is an entry in ClinVar:

NM_004369.4(COL6A3):c.8445G>A (p.Leu2815=)

Gene: COL6A3 (collagen type VI alpha 3 chain; minus strand). Cytogenetic location: 2q37.3.
Variant type: single nucleotide variant.
Coding change: c.8445G>A on transcript NM_004369.4 (MANE Select); coding-DNA position 8445, G replaced by A.
Protein change: p.Leu2815=; no amino-acid change (leucine 2815 retained).
Molecular consequence: synonymous variant.
Genome position (GRCh38, 1-based): chr2:237,340,471, C>T on the plus strand (G>A on the coding strand, the complement: COL6A3 is on the minus strand). VCF-style: chr2-237340471-C-T. GRCh37 (hg19) VCF-style: chr2-238249114-C-T.
Other names: c.6624G>A, p.Leu2208= (NM_057166.5); c.7827G>A, p.Leu2609= (NM_057167.4).
Identifiers: ClinVar variation 3905487 (VCV003905487.10).
Genomic context (GRCh38, chr2:237,340,471, plus strand): 5'-AAAGCCAGGCCAGGGCACATGCTGTGCCACGCAGGACTTACTGCTGACGAAGGATGGCAA[C>T]AGCCTCCCGAAGCGCATCAAAGGCTCCTCGTTGAGCTCGGTGGACTTGTCCACTAATTTG-3'
Protein context (NP_004360.2, residues 2805-2825): NEEPLMRFGR[Leu2815=]LPSFVSSENA

ClinVar aggregate classification (germline): Likely benign (1 of 4 stars; one submission).

gnomAD v4.1: 11 of 1,613,270 alleles (0.00068%); highest among the groups gnomAD compares: Non-Finnish European, 0.00076%; no homozygotes.

Submission:

CeGaT Center for Human Genetics Tuebingen
Classification: Likely benign. Last evaluated: 2025-06-01. Review status: criteria provided, single submitter. Criteria: CeGaT Center For Human Genetics Tuebingen Variant Classification Criteria Version 2. Collection method: clinical testing. Allele origin: germline. Affected: yes. Observed: 1 variant allele.
Comment: COL6A3: BP4, BP7